The following is an entry in ClinVar:

ClinVar aggregate classification (germline): Conflicting classifications of pathogenicity. Review status: criteria provided, conflicting classifications (1 of 4 stars). 5 submissions from 5 submitters: Uncertain significance (1); Likely benign (4). Last evaluated 2025-12-03.

Conditions:
Ehlers-Danlos syndrome, classic type, 1 (EDSCL1). Also called: Ehlers-Danlos syndrome, type 1; Ehlers-Danlos Syndrome, Classic Type, COL5A1-Related; EDS I; EHLERS-DANLOS SYNDROME, GRAVIS TYPE; EHLERS-DANLOS SYNDROME, SEVERE CLASSIC TYPE. Identifiers: MedGen C0268335, MONDO:0019567, OMIM 130000.
Osteogenesis imperfecta type I (OI1). Also called: Lobstein's Disease; Lobstein disease; OI, TYPE I; OSTEOGENESIS IMPERFECTA TARDA; OSTEOGENESIS IMPERFECTA WITH BLUE SCLERAE; Osteogenesis imperfecta type 1. Identifiers: Orphanet 216796, Orphanet 666, MedGen C0023931, MONDO:0008146, OMIM 166200. Disease mechanism: loss of function.
Cardiovascular phenotype. Identifiers: MedGen CN230736.

Allele frequency attached by ClinVar (database versions not stated): ESP Exome Variant Server 0.00008; TOPMed 0.00010.
gnomAD v4.1: 43 of 1,613,198 alleles (0.0027%); highest among the groups gnomAD compares: African/African-American, 0.023%; no homozygotes.

Submissions (5):

Labcorp Genetics (formerly Invitae), Labcorp
Classification: Likely benign for Osteogenesis imperfecta type I; Ehlers-Danlos syndrome, classic type, 1. Last evaluated: 2025-12-03. Review status: criteria provided, single submitter. Criteria: Invitae Variant Classification Sherloc (09022015). Collection method: clinical testing. Allele origin: germline.

Revvity Omics, Revvity
Classification: Uncertain significance. Last evaluated: 2023-11-27. Review status: criteria provided, single submitter. Criteria: ACMG Guidelines, 2015. Collection method: clinical testing. Allele origin: germline.

Ambry Genetics
Classification: Likely benign for Cardiovascular phenotype. Last evaluated: 2023-04-01. Review status: criteria provided, single submitter. Criteria: Ambry Variant Classification Scheme 2023. Collection method: clinical testing. Allele origin: germline.

Blueprint Genetics
Classification: Likely benign. Last evaluated: 2021-03-19. Review status: criteria provided, single submitter. Criteria: ACMG Guidelines, 2015. Collection method: clinical testing. Allele origin: germline.

GeneDx
Classification: Likely benign. Last evaluated: 2016-12-27. Review status: criteria provided, single submitter. Criteria: GeneDx Variant Classification (06012015). Collection method: clinical testing. Allele origin: germline. Affected: yes.
Comment: This variant is considered likely benign or benign based on one or more of the following criteria: it is a conservative change, it occurs at a poorly conserved position in the protein, it is predicted to be benign by multiple in silico algorithms, and/or has population frequency not consistent with disease.

NM_000089.4(COL1A2):c.2082C>T (p.Gly694=)

Gene: COL1A2 (collagen type I alpha 2 chain; plus strand). Cytogenetic location: 7q21.3.
Variant type: single nucleotide variant.
Coding change: c.2082C>T on transcript NM_000089.4 (MANE Select); coding-DNA position 2082, C replaced by T.
Protein change: p.Gly694=; no amino-acid change (glycine 694 retained).
Molecular consequence: synonymous variant.
Genome position (GRCh38, 1-based): chr7:94,420,235, C>T. VCF-style: chr7-94420235-C-T. GRCh37 (hg19) VCF-style: chr7-94049547-C-T.
Identifiers: ClinVar variation 391883 (VCV000391883.16), dbSNP rs193229878, ClinGen allele CA4347308.
Genomic context (GRCh38, chr7:94,420,235, plus strand): 5'-AGTTCTTTGAGCATCTATGTCAGGCACATTAACAGATTCATCTTTGGTCCCATTATAGGG[C>T]GAAGCTGGGGCTGCTGGTCCTGCTGGTCCTGCTGGTCCTCGGGGAAGCCCTGTAAGTAAG-3'
Protein context (NP_000080.2, residues 684-704): PGPAGATGDR[Gly694=]EAGAAGPAGP